The following is an entry in ClinVar:

NM_001162501.2(TNRC6B):c.5254G>A (p.Gly1752Ser)

Gene: TNRC6B (trinucleotide repeat containing adaptor 6B; plus strand). Cytogenetic location: 22q13.1.
Variant type: single nucleotide variant.
Coding change: c.5254G>A on transcript NM_001162501.2 (MANE Select); coding-DNA position 5254, G replaced by A.
Protein change: p.Gly1752Ser; replaces glycine 1752 with serine.
Molecular consequence: missense variant.
Genome position (GRCh38, 1-based): chr22:40,322,993, G>A. VCF-style: chr22-40322993-G-A. GRCh37 (hg19) VCF-style: chr22-40718997-G-A.
Other names: c.2842G>A, p.Gly948Ser (NM_001024843.2); c.4924G>A, p.Gly1642Ser (NM_015088.3); short protein forms G1642S, G1752S, G948S.
Identifiers: ClinVar variation 4847310 (VCV004847310.1).

ClinVar aggregate classification (germline): Uncertain significance (1 of 4 stars; one submission).

gnomAD v4.1: 12 of 1,609,524 alleles (0.00075%); highest among the groups gnomAD compares: South Asian, 0.0022%; no homozygotes.

Submission:

Women's Health and Genetics/Laboratory Corporation of America, LabCorp
Classification: Uncertain significance. Last evaluated: 2026-03-11. Review status: criteria provided, single submitter. Criteria: LabCorp Variant Classification Summary - May 2015. Collection method: clinical testing. Allele origin: germline.
Comment: Variant summary: TNRC6B c.5254G>A (p.Gly1752Ser) results in a non-conservative amino acid change in the encoded protein sequence. Algorithms developed to predict the effect of missense changes on protein structure and function are either unavailable or do not agree on the potential impact of this missense change. The variant allele was found at a frequency of 8.4e-06 in 238294 control chromosomes. The available data on variant occurrences in the general population are insufficient to allow any conclusion about variant significance. To our knowledge, no occurrence of c.5254G>A in individuals affected with TNRC6B-related conditions and no experimental evidence demonstrating its impact on protein function have been reported. No submitters have cited clinical-significance assessments for this variant to ClinVar. Based on the evidence outlined above, the variant was classified as uncertain significance.